The following is an entry in ClinVar:

ClinVar aggregate classification (germline): Uncertain significance (1 of 4 stars; one submission).

Conditions:
Cardiac arrhythmia. Also called: Cardiac rhythm disease; Arrhythmia. Identifiers: MedGen C0003811, MONDO:0007263, HP:0011675.

Submission:

Color Diagnostics, LLC DBA Color Health
Classification: Uncertain significance for Cardiac arrhythmia. Last evaluated: 2019-04-02. Review status: criteria provided, single submitter. Criteria: ACMG Guidelines, 2015. Collection method: clinical testing. Allele origin: germline.
Comment: This missense variant replaces glycine with aspartic acid at codon 643 of the KCNQ1 protein. Computational prediction tools and conservation analyses are inconclusive regarding the impact of this variant on the protein function. Computational splicing tools suggest that this variant may not impact RNA splicing. To our knowledge, functional assays have not been performed for this variant nor has this variant been reported in individuals affected with cardiovascular disorders in the literature. This variant has not been identified in the general population by the Genome Aggregation Database (gnomAD). Available evidence is insufficient to determine the role of this variant in disease conclusively. Therefore, this variant is classified as a Variant of Uncertain Significance.

NM_000218.3(KCNQ1):c.1928G>A (p.Gly643Asp)

Genes: KCNQ1 (potassium voltage-gated channel subfamily Q member 1; plus strand), KCNQ1-AS1 (KCNQ1 antisense RNA 1; minus strand). Cytogenetic location: 11p15.4.
Variant type: single nucleotide variant.
Coding change: c.1928G>A on transcript NM_000218.3 (MANE Select); coding-DNA position 1928, G replaced by A.
Protein change: p.Gly643Asp; replaces glycine 643 with aspartic acid.
Molecular consequence: missense variant.
Genome position (GRCh38, 1-based): chr11:2,847,900, G>A. VCF-style: chr11-2847900-G-A. GRCh37 (hg19) VCF-style: chr11-2869130-G-A.
Other names: c.1832G>A, p.Gly611Asp (NM_001406836.1); c.1658G>A, p.Gly553Asp (NM_001406837.1); c.1388G>A, p.Gly463Asp (NM_001406838.1); c.440G>A, p.Gly147Asp (NM_001406839.1); c.1547G>A, p.Gly516Asp (NM_181798.2); short protein forms G516D, G643D, G553D, G463D, G147D, G611D.
Identifiers: ClinVar variation 923434 (VCV000923434.6), dbSNP rs1848367520, ClinGen allele CA379140450.
Genomic context (GRCh38, chr11:2,847,900, plus strand): 5'-GCACCCCCGGCAGCGGCGGCCCCCCCAGAGAGGGCGGGGCCCACATCACCCAGCCCTGCG[G>A]CAGTGGCGGCTCCGTCGACCCTGAGCTCTTCCTGCCCAGCAACACCCTGCCCACCTACGA-3'
Protein context (NP_000209.2, residues 633-653): EGGAHITQPC[Gly643Asp]SGGSVDPELF